The following is an entry in ClinVar:

NM_032242.4(PLXNA1):c.1987G>A (p.Val663Ile)

Gene: PLXNA1 (plexin A1; plus strand). Cytogenetic location: 3q21.3.
Variant type: single nucleotide variant.
Coding change: c.1987G>A on transcript NM_032242.4 (MANE Select); coding-DNA position 1987, G replaced by A.
Protein change: p.Val663Ile; replaces valine 663 with isoleucine.
Molecular consequence: missense variant.
Genome position (GRCh38, 1-based): chr3:127,006,168, G>A. VCF-style: chr3-127006168-G-A. GRCh37 (hg19) VCF-style: chr3-126725011-G-A.
Other names: short protein forms V663I.
Identifiers: ClinVar variation 3030672 (VCV003030672.3), dbSNP rs756328115, ClinGen allele CA2593447.
Genomic context (GRCh38, chr3:127,006,168, plus strand): 5'-AAGTCCAAGGAGACAGGGAAGAAGTTTGCGTCTGTGGACTTCGTCTTCTACAACTGCAGC[G>A]TCCACCAGTCGTGAGTGTCTCTAGGCCCCTCCGCCCGCCTGGGCCTGGGCTACTTGCCCC-3'
Protein context (NP_115618.3, residues 653-673): SVDFVFYNCS[Val663Ile]HQSCLSCVNG

ClinVar aggregate classification (germline): Uncertain significance. Review status: criteria provided, single submitter (1 of 4 stars). 2 submissions from 2 submitters: Uncertain significance (1). 1 of the submissions does not count toward it. Last evaluated 2025-08-31.

Conditions:
PLXNA1-related disorder. Also called: PLXNA1-related condition.

Allele frequency attached by ClinVar (database versions not stated): gnomAD exomes 0.00001; ExAC 0.00002; TOPMed 0.00002.
gnomAD v4.1: 21 of 1,613,168 alleles (0.0013%); highest among the groups gnomAD compares: Admixed American, 0.0033%; no homozygotes.

Submissions (2):

Ambry Genetics
Classification: Uncertain significance. Last evaluated: 2025-08-31. Review status: criteria provided, single submitter. Criteria: Ambry Variant Classification Scheme 2023. Collection method: clinical testing. Allele origin: germline.

PreventionGenetics, part of Exact Sciences
Classification: Uncertain significance for PLXNA1-related condition. Last evaluated: 2023-11-01. Review status: no assertion criteria provided. Collection method: clinical testing. Allele origin: germline. Not counted in ClinVar's aggregate classification.
Comment: The PLXNA1 c.1987G>A variant is predicted to result in the amino acid substitution p.Val663Ile. To our knowledge, this variant has not been reported in the literature. This variant is reported in 0.0029% of alleles in individuals of Latino descent in gnomAD. At this time, the clinical significance of this variant is uncertain due to the absence of conclusive functional and genetic evidence.